The following is an entry in ClinVar:

ClinVar aggregate classification (germline): Uncertain significance (1 of 4 stars; one submission).

Conditions:
Familial thoracic aortic aneurysm and aortic dissection (TAAD). Also called: Thoracic aortic aneurysms and dissections. Identifiers: Orphanet 91387, MedGen C4707243, MONDO:0019625.

Submission:

Ambry Genetics
Classification: Uncertain significance for Familial thoracic aortic aneurysm and aortic dissection. Last evaluated: 2017-09-01. Review status: criteria provided, single submitter. Criteria: Ambry Variant Classification Scheme 2023. Collection method: clinical testing. Allele origin: germline.
Comment: The p.V1759F variant (also known as c.5275G>T), located in coding exon 36 of the MYH11 gene, results from a G to T substitution at nucleotide position 5275. The valine at codon 1759 is replaced by phenylalanine, an amino acid with highly similar properties, and is located in the coiled coil domain. This amino acid position is poorly conserved in available vertebrate species. In addition, this alteration is predicted to be tolerated by in silico analysis. Since supporting evidence is limited at this time, the clinical significance of this alteration remains unclear.

NM_002474.3(MYH11):c.5275G>T (p.Val1759Phe)

Genes: NDE1 (nudE neurodevelopment protein 1; plus strand), MYH11 (myosin heavy chain 11; minus strand). Cytogenetic location: 16p13.11.
Variant type: single nucleotide variant.
Coding change: c.5275G>T on transcript NM_002474.3 (MANE Select); coding-DNA position 5275, G replaced by T.
Protein change: p.Val1759Phe; replaces valine 1759 with phenylalanine.
Molecular consequence: missense variant. On other transcripts: intron variant (2).
Genome position (GRCh38, 1-based): chr16:15,718,335, C>A on the plus strand (G>T on the coding strand, the complement: MYH11 is on the minus strand). VCF-style: chr16-15718335-C-A. GRCh37 (hg19) VCF-style: chr16-15812192-C-A.
Other names: c.5296G>T, p.Val1766Phe (NM_001040113.2, NM_001040114.2); c.5275G>T, p.Val1759Phe (NM_022844.3); c.948-5856C>A (NM_001143979.2, NM_017668.3); short protein forms V1759F, V1766F.
Identifiers: ClinVar variation 519961 (VCV000519961.5), dbSNP rs138059405, ClinGen allele CA394849871.